The following is an entry in ClinVar:

ClinVar aggregate classification (germline): Pathogenic/Likely pathogenic. Review status: criteria provided, multiple submitters, no conflicts (2 of 4 stars). 4 submissions from 4 submitters: Pathogenic (1); Likely pathogenic (3). Last evaluated 2025-02-10.

Conditions:
TCTN2-related disorder. Also called: TCTN2-related disorders; TCTN2-related condition. Identifiers: MedGen CN239412.
Joubert syndrome 24 (JBTS24). Identifiers: Orphanet 475, MedGen C4084841, MONDO:0014724, OMIM 616654.
Meckel syndrome, type 8. Identifiers: Orphanet 564, MedGen C3836857, MONDO:0013482, OMIM 613885.
Joubert syndrome. Also called: JOUBERT-BOLTSHAUSER SYNDROME; Familial aplasia of the vermis. Identifiers: Orphanet 475, MedGen C5979921, MONDO:0018772.
Meckel-Gruber syndrome. Also called: DYSENCEPHALIA SPLANCHNOCYSTICA; GRUBER SYNDROME; Dysencephalia splachnocystica. Identifiers: Orphanet 564, MedGen C0265215, MONDO:0018921.

Allele frequency attached by ClinVar (database versions not stated): gnomAD 0.00001; ExAC 0.00002; gnomAD exomes 0.00002 and 0.00003; TOPMed 0.00002.
gnomAD v4.1: 40 of 1,613,846 alleles (0.0025%); highest among the groups gnomAD compares: Admixed American, 0.0033%; no homozygotes.

Submissions (4):

Labcorp Genetics (formerly Invitae), Labcorp
Classification: Pathogenic for Joubert syndrome; Meckel-Gruber syndrome. Last evaluated: 2025-02-10. Review status: criteria provided, single submitter. Criteria: Invitae Variant Classification Sherloc (09022015). Collection method: clinical testing. Allele origin: germline.
Comment: This sequence change creates a premature translational stop signal (p.Arg330*) in the TCTN2 gene. It is expected to result in an absent or disrupted protein product. Loss-of-function variants in TCTN2 are known to be pathogenic (PMID: 21565611). This variant is present in population databases (rs754596743, gnomAD 0.004%). This variant has not been reported in the literature in individuals affected with TCTN2-related conditions. ClinVar contains an entry for this variant (Variation ID: 931914). Algorithms developed to predict the effect of sequence changes on RNA splicing suggest that this variant may disrupt the consensus splice site. For these reasons, this variant has been classified as Pathogenic.

Fulgent Genetics
Classification: Likely pathogenic for Meckel syndrome, type 8; Joubert syndrome 24. Last evaluated: 2024-05-07. Review status: criteria provided, single submitter. Criteria: ACMG Guidelines, 2015. Collection method: clinical testing. Allele origin: germline.

Blueprint Genetics
Classification: Likely pathogenic for TCTN2-related disorders. Last evaluated: 2022-03-29. Review status: criteria provided, single submitter. Criteria: ACMG Guidelines, 2015. Collection method: clinical testing. Allele origin: germline. Affected: yes. Observed: 3 variant alleles.

Centre for Mendelian Genomics, University Medical Centre Ljubljana
Classification: Likely pathogenic for Meckel syndrome, type 8. Last evaluated: 2020-04-01. Review status: criteria provided, single submitter. Criteria: ACMG Guidelines, 2015. Collection method: clinical testing. Allele origin: unknown. Affected: yes.
Comment: This variant was classified as: Likely pathogenic. The following ACMG criteria were applied in classifying this variant: PVS1,PM2.

Literature cited by the submitters: PubMed 21565611 (cited by Labcorp Genetics (formerly Invitae), Labcorp).

NM_024809.5(TCTN2):c.988C>T (p.Arg330Ter)

Gene: TCTN2 (tectonic family member 2; plus strand). Cytogenetic location: 12q24.31.
Variant type: single nucleotide variant.
Coding change: c.988C>T on transcript NM_024809.5 (MANE Select); coding-DNA position 988, C replaced by T.
Protein change: p.Arg330Ter; replaces arginine 330 with a stop codon.
Molecular consequence: nonsense.
Genome position (GRCh38, 1-based): chr12:123,690,629, C>T. VCF-style: chr12-123690629-C-T. GRCh37 (hg19) VCF-style: chr12-124175176-C-T.
Other names: c.985C>T, p.Arg329Ter (NM_001143850.3); short protein forms R330*, R329*.
Identifiers: ClinVar variation 931914 (VCV000931914.11), dbSNP rs754596743, ClinGen allele CA6861058.